The following is an entry in ClinVar:

ClinVar aggregate classification (germline): Uncertain significance (1 of 4 stars; one submission).

gnomAD v4.1: 82 of 1,614,112 alleles (0.0051%); highest among the groups gnomAD compares: African/African-American, 0.08%; no homozygotes.

Submission:

Women's Health and Genetics/Laboratory Corporation of America, LabCorp
Classification: Uncertain significance. Last evaluated: 2025-03-12. Review status: criteria provided, single submitter. Criteria: LabCorp Variant Classification Summary - May 2015. Collection method: clinical testing. Allele origin: germline.
Comment: Variant summary: KIF14 c.710C>T (p.Thr237Met) results in a non-conservative amino acid change in the encoded protein sequence. Four of five in-silico tools predict a benign effect of the variant on protein function. The variant allele was found at a frequency of 8e-05 in 251294 control chromosomes. This frequency is not significantly higher than estimated for a pathogenic variant in KIF14 causing Microcephaly 20, Primary, Autosomal Recessive, allowing no conclusion about variant significance. To our knowledge, no occurrence of c.710C>T in individuals affected with Microcephaly 20, Primary, Autosomal Recessive and no experimental evidence demonstrating its impact on protein function have been reported. No submitters have cited clinical-significance assessments for this variant to ClinVar. Based on the evidence outlined above, the variant was classified as uncertain significance.

NM_014875.3(KIF14):c.710C>T (p.Thr237Met)

Gene: KIF14 (kinesin family member 14; minus strand). Cytogenetic location: 1q32.1.
Variant type: single nucleotide variant.
Coding change: c.710C>T on transcript NM_014875.3 (MANE Select); coding-DNA position 710, C replaced by T.
Protein change: p.Thr237Met; replaces threonine 237 with methionine.
Molecular consequence: missense variant. On other transcripts: 5 prime UTR variant (1).
Genome position (GRCh38, 1-based): chr1:200,618,014, G>A on the plus strand (C>T on the coding strand, the complement: KIF14 is on the minus strand). VCF-style: chr1-200618014-G-A. GRCh37 (hg19) VCF-style: chr1-200587142-G-A.
Other names: c.-676C>T (NM_001305792.1); short protein forms T237M.
Identifiers: ClinVar variation 3895689 (VCV003895689.1).
Genomic context (GRCh38, chr1:200,618,014, plus strand): 5'-CTATGATACAAGTTTCCTGTTCCCAACACTTTGATATCCAACTTGCTCTGAGTAGGTTTC[G>A]TTGTCAAGTGTCCTGATCTAACAACTTCAGTCTGACTCAGGGAAGCAATGGGTGGTCTAT-3'
Protein context (NP_055690.1, residues 227-247): TEVVRSGHLT[Thr237Met]KPTQSKLDIK